The following is an entry in ClinVar:

ClinVar aggregate classification (germline): Uncertain significance (1 of 4 stars; one submission).

Conditions:
Episodic kinesigenic dyskinesia (EKD). Also called: Paroxysmal kinesigenic dyskinesia. Identifiers: Orphanet 98809, MedGen C1868682, MONDO:0044202.

Submission:

Labcorp Genetics (formerly Invitae), Labcorp
Classification: Uncertain significance for Episodic kinesigenic dyskinesia. Last evaluated: 2024-01-19. Review status: criteria provided, single submitter. Criteria: Invitae Variant Classification Sherloc (09022015). Collection method: clinical testing. Allele origin: germline.
Comment: This sequence change replaces serine, which is neutral and polar, with glycine, which is neutral and non-polar, at codon 90 of the PRRT2 protein (p.Ser90Gly). This variant is not present in population databases (gnomAD no frequency). This variant has not been reported in the literature in individuals affected with PRRT2-related conditions. ClinVar contains an entry for this variant (Variation ID: 941309). Advanced modeling of protein sequence and biophysical properties (such as structural, functional, and spatial information, amino acid conservation, physicochemical variation, residue mobility, and thermodynamic stability) performed at Invitae indicates that this missense variant is not expected to disrupt PRRT2 protein function with a negative predictive value of 95%. In summary, the available evidence is currently insufficient to determine the role of this variant in disease. Therefore, it has been classified as a Variant of Uncertain Significance.

NM_145239.3(PRRT2):c.268A>G (p.Ser90Gly)

Genes: MVP-DT (MVP divergent transcript; minus strand), PRRT2 (proline rich transmembrane protein 2; plus strand). Cytogenetic location: 16p11.2.
Variant type: single nucleotide variant.
Coding change: c.268A>G on transcript NM_145239.3 (MANE Select); coding-DNA position 268, A replaced by G.
Protein change: p.Ser90Gly; replaces serine 90 with glycine.
Molecular consequence: missense variant.
Genome position (GRCh38, 1-based): chr16:29,813,322, A>G. VCF-style: chr16-29813322-A-G. GRCh37 (hg19) VCF-style: chr16-29824643-A-G.
Other names: c.268A>G, p.Ser90Gly (NM_001256442.2, NM_001256443.2); short protein forms S90G.
Identifiers: ClinVar variation 941309 (VCV000941309.10), dbSNP rs1900072671, ClinGen allele CA395477931.
Genomic context (GRCh38, chr16:29,813,322, plus strand): 5'-GAAACCACAGAGACCCCGGCTGGGGCCTCAGAAACAGCCCAGGCCACAGACCTCAGCTTA[A>G]GCCCAGGAGGGGAATCAAAGGCCAACTGCAGCCCCGAAGACCCATGCCAAGAAACAGTGT-3'
Protein context (NP_660282.2, residues 80-100): ETAQATDLSL[Ser90Gly]PGGESKANCS